The following is an entry in ClinVar:

NM_016169.4(SUFU):c.352T>C (p.Phe118Leu)

Gene: SUFU (SUFU negative regulator of hedgehog signaling; plus strand). Cytogenetic location: 10q24.32.
Variant type: single nucleotide variant.
Coding change: c.352T>C on transcript NM_016169.4 (MANE Select); coding-DNA position 352, T replaced by C.
Protein change: p.Phe118Leu; replaces phenylalanine 118 with leucine.
Molecular consequence: missense variant.
Genome position (GRCh38, 1-based): chr10:102,550,004, T>C. VCF-style: chr10-102550004-T-C. GRCh37 (hg19) VCF-style: chr10-104309761-T-C.
Other names: c.352T>C, p.Phe118Leu (NM_001178133.2); short protein forms F118L.
Identifiers: ClinVar variation 857119 (VCV000857119.10), dbSNP rs2062895967, ClinGen allele CA377903143.

ClinVar aggregate classification (germline): Uncertain significance (1 of 4 stars; one submission).

Conditions:
Gorlin syndrome. Also called: Nevoid Basal Cell Carcinoma Syndrome; Basal cell nevus syndrome. Identifiers: Orphanet 377, MedGen C0004779, MONDO:0007187.
Medulloblastoma (MDB). Also called: MEDULLOBLASTOMA PREDISPOSITION SYNDROME; Medulloblastoma, somatic. Identifiers: Orphanet 616, MedGen C0025149, MeSH D008527, MONDO:0007959, OMIM 155255, HP:0002885.

Submission:

Labcorp Genetics (formerly Invitae), Labcorp
Classification: Uncertain significance for Gorlin syndrome; Medulloblastoma. Last evaluated: 2019-12-04. Review status: criteria provided, single submitter. Criteria: Invitae Variant Classification Sherloc (09022015). Collection method: clinical testing. Allele origin: germline.
Comment: In summary, the available evidence is currently insufficient to determine the role of this variant in disease. Therefore, it has been classified as a Variant of Uncertain Significance. Algorithms developed to predict the effect of missense changes on protein structure and function are either unavailable or do not agree on the potential impact of this missense change (SIFT: "Deleterious"; PolyPhen-2: "Probably Damaging"; Align-GVGD: "Class C15"). This variant has not been reported in the literature in individuals with SUFU-related conditions. This variant is not present in population databases (ExAC no frequency). This sequence change replaces phenylalanine with leucine at codon 118 of the SUFU protein (p.Phe118Leu). The phenylalanine residue is highly conserved and there is a small physicochemical difference between phenylalanine and leucine.